The following is an entry in ClinVar:

NM_052989.3(IFT122):c.2468A>G (p.Tyr823Cys)

Gene: IFT122 (intraflagellar transport 122; plus strand). Cytogenetic location: 3q22.1.
Variant type: single nucleotide variant.
Coding change: c.2468A>G on transcript NM_052989.3 (MANE Select); coding-DNA position 2468, A replaced by G.
Protein change: p.Tyr823Cys; replaces tyrosine 823 with cysteine.
Molecular consequence: missense variant.
Genome position (GRCh38, 1-based): chr3:129,502,803, A>G. VCF-style: chr3-129502803-A-G. GRCh37 (hg19) VCF-style: chr3-129221646-A-G.
Other names: c.2444A>G, p.Tyr815Cys (NM_001280541.2); c.2018A>G, p.Tyr673Cys (NM_001280545.2); c.1841A>G, p.Tyr614Cys (NM_001280546.2); c.2135A>G, p.Tyr712Cys (NM_052990.3, NM_001410815.1); c.2468A>G, p.Tyr823Cys (NM_001410808.1); c.2414A>G, p.Tyr805Cys (NM_001410809.1); c.2291A>G, p.Tyr764Cys (NM_001410810.1, NM_018262.4); c.2237A>G, p.Tyr746Cys (NM_001410811.1, NM_001410813.1); and 2 more; short protein forms Y764C, Y874C, Y614C, Y712C, Y805C, Y694C, Y823C, Y673C.
Identifiers: ClinVar variation 3285411 (VCV003285411.2).

ClinVar aggregate classification (germline): Uncertain significance. Review status: criteria provided, multiple submitters, no conflicts (2 of 4 stars). 2 submissions from 2 submitters: Uncertain significance (2). Last evaluated 2026-01-17.

Conditions:
Inborn genetic diseases. Identifiers: MedGen C0950123, MeSH D030342.
Cranioectodermal dysplasia 1 (CED1). Also called: LEVIN SYNDROME I. Identifiers: Orphanet 1515, MedGen C0432235, MONDO:0021093, OMIM 218330.

gnomAD v4.1: 33 of 1,613,304 alleles (0.002%); highest among the groups gnomAD compares: East Asian, 0.042%; no homozygotes.

Submissions (2):

Labcorp Genetics (formerly Invitae), Labcorp
Classification: Uncertain significance for Cranioectodermal dysplasia 1. Last evaluated: 2026-01-17. Review status: criteria provided, single submitter. Criteria: Invitae Variant Classification Sherloc (09022015). Collection method: clinical testing. Allele origin: germline.
Comment: This sequence change replaces tyrosine, which is neutral and polar, with cysteine, which is neutral and slightly polar, at codon 874 of the IFT122 protein (p.Tyr874Cys). This variant is present in population databases (rs554677020, gnomAD 0.04%). This variant has not been reported in the literature in individuals affected with IFT122-related conditions. ClinVar contains an entry for this variant (Variation ID: 3285411). Invitae Evidence Modeling of protein sequence and biophysical properties (such as structural, functional, and spatial information, amino acid conservation, physicochemical variation, residue mobility, and thermodynamic stability) has been performed for this missense variant. However, the output from this modeling did not meet the statistical confidence thresholds required to predict the impact of this variant on IFT122 protein function. In summary, the available evidence is currently insufficient to determine the role of this variant in disease. Therefore, it has been classified as a Variant of Uncertain Significance.

Ambry Genetics
Classification: Uncertain significance for Inborn genetic diseases. Last evaluated: 2024-05-30. Review status: criteria provided, single submitter. Criteria: Ambry Variant Classification Scheme 2023. Collection method: clinical testing. Allele origin: germline.